The following is an entry in ClinVar:

ClinVar aggregate classification (germline): Uncertain significance (1 of 4 stars; one submission).

Conditions:
NTRK2-related disorder. Also called: NTRK2-related condition.

gnomAD v4.1: 1 of 1,614,110 alleles (0.000062%); highest among the groups gnomAD compares: Non-Finnish European, 0.000085%; no homozygotes.

Submission:

PreventionGenetics, part of Exact Sciences
Classification: Uncertain significance for NTRK2-related condition. Last evaluated: 2025-03-25. Review status: criteria provided, single submitter. Criteria: ACMG Guidelines, 2015. Collection method: clinical testing. Allele origin: germline.
Comment: The NTRK2 c.1900G>A variant is predicted to result in the amino acid substitution p.Glu634Lys. To our knowledge, this variant has not been reported in the literature or in a large population database (gnomAD), indicating this variant is rare. At this time, the clinical significance of this variant is uncertain due to the absence of conclusive functional and genetic evidence.

NM_006180.6(NTRK2):c.1900G>A (p.Glu634Lys)

Gene: NTRK2 (neurotrophic receptor tyrosine kinase 2; plus strand). Cytogenetic location: 9q21.33.
Variant type: single nucleotide variant.
Coding change: c.1900G>A on transcript NM_006180.6 (MANE Select); coding-DNA position 1900, G replaced by A.
Protein change: p.Glu634Lys; replaces glutamic acid 634 with lysine.
Molecular consequence: missense variant.
Genome position (GRCh38, 1-based): chr9:84,948,597, G>A. VCF-style: chr9-84948597-G-A. GRCh37 (hg19) VCF-style: chr9-87563512-G-A.
Other names: c.1852G>A, p.Glu618Lys (NM_001018064.3, NM_001369532.1, NM_001369533.1); c.1816G>A, p.Glu606Lys (NM_001369534.1); c.1384G>A, p.Glu462Lys (NM_001369535.1); c.1432G>A, p.Glu478Lys (NM_001369536.1); short protein forms E462K, E606K, E634K, E618K, E478K.
Identifiers: ClinVar variation 4998309 (VCV004998309.1).